The following is an entry in ClinVar:

NM_000051.4(ATM):c.501G>T (p.Leu167Phe)

Gene: ATM (ATM serine/threonine kinase; plus strand). Cytogenetic location: 11q22.3.
Variant type: single nucleotide variant.
Coding change: c.501G>T on transcript NM_000051.4 (MANE Select); coding-DNA position 501, G replaced by T.
Protein change: p.Leu167Phe; replaces leucine 167 with phenylalanine.
Molecular consequence: missense variant.
Genome position (GRCh38, 1-based): chr11:108,243,957, G>T. VCF-style: chr11-108243957-G-T. GRCh37 (hg19) VCF-style: chr11-108114684-G-T.
Other names: c.501G>T, p.Leu167Phe (NM_001351834.2); c.501G>T (NM_000051.3); short protein forms L167F.
Identifiers: ClinVar variation 802724 (VCV000802724.7), dbSNP rs1181703620, ClinGen allele CA382527428.

ClinVar aggregate classification (germline): Uncertain significance. Review status: criteria provided, multiple submitters, no conflicts (2 of 4 stars). 5 submissions from 5 submitters: Uncertain significance (3). 2 of the submissions do not count toward it. Last evaluated 2023-12-06.

Conditions:
Ataxia-telangiectasia syndrome (AT). Also called: Ataxia-telangiectasia, complementation group E; Ataxia-telangiectasia, complementation group D; Ataxia telangiectasia (A-T); LOUIS-BAR SYNDROME; ATAXIA-TELANGIECTASIA, COMPLEMENTATION GROUP A; ATAXIA-TELANGIECTASIA, FRESNO VARIANT. Identifiers: Orphanet 100, MedGen C0004135, MONDO:0008840, OMIM 208900.

Submissions (5):

Labcorp Genetics (formerly Invitae), Labcorp
Classification: Uncertain significance for Ataxia-telangiectasia syndrome. Last evaluated: 2023-12-06. Review status: criteria provided, single submitter. Criteria: Invitae Variant Classification Sherloc (09022015). Collection method: clinical testing. Allele origin: germline.
Comment: This sequence change replaces leucine, which is neutral and non-polar, with phenylalanine, which is neutral and non-polar, at codon 167 of the ATM protein (p.Leu167Phe). The frequency data for this variant in the population databases is considered unreliable, as metrics indicate poor data quality at this position in the gnomAD database. This variant has not been reported in the literature in individuals affected with ATM-related conditions. ClinVar contains an entry for this variant (Variation ID: 802724). An algorithm developed to predict the effect of missense changes on protein structure and function (PolyPhen-2) suggests that this variant is likely to be disruptive. In summary, the available evidence is currently insufficient to determine the role of this variant in disease. Therefore, it has been classified as a Variant of Uncertain Significance.

GeneDx
Classification: Uncertain significance. Last evaluated: 2023-11-07. Review status: criteria provided, single submitter. Criteria: GeneDx Variant Classification Process June 2021. Collection method: clinical testing. Allele origin: germline. Affected: yes.
Comment: In silico analysis supports that this missense variant has a deleterious effect on protein structure/function; Has not been previously published as pathogenic or benign to our knowledge

Mendelics
Classification: Uncertain significance for Ataxia-telangiectasia syndrome. Last evaluated: 2019-05-28. Review status: criteria provided, single submitter. Criteria: Mendelics Assertion Criteria 2017. Collection method: clinical testing. Allele origin: unknown.

Genome Diagnostics Laboratory, Amsterdam University Medical Center
Classification: Uncertain significance. Review status: no assertion criteria provided. Collection method: clinical testing. Allele origin: germline. Affected: yes. Study: VKGL Data-share Consensus. Not counted in ClinVar's aggregate classification.

Laboratory of Diagnostic Genome Analysis, Leiden University Medical Center (LUMC)
Classification: Uncertain significance. Review status: no assertion criteria provided. Collection method: clinical testing. Allele origin: germline. Affected: yes. Study: VKGL Data-share Consensus. Not counted in ClinVar's aggregate classification.